The following is an entry in ClinVar:

NM_032119.4(ADGRV1):c.14415G>A (p.Ser4805=)

Gene: ADGRV1 (adhesion G protein-coupled receptor V1; plus strand). Cytogenetic location: 5q14.3.
Variant type: single nucleotide variant.
Coding change: c.14415G>A on transcript NM_032119.4 (MANE Select); coding-DNA position 14415, G replaced by A.
Protein change: p.Ser4805=; no amino-acid change (serine 4805 retained).
Molecular consequence: synonymous variant. On other transcripts: non-coding transcript variant (1).
Genome position (GRCh38, 1-based): chr5:90,791,244, G>A. VCF-style: chr5-90791244-G-A. GRCh37 (hg19) VCF-style: chr5-90087061-G-A.
Identifiers: ClinVar variation 747839 (VCV000747839.34), dbSNP rs749418353, ClinGen allele CA3341723.

ClinVar aggregate classification (germline): Conflicting classifications of pathogenicity. Review status: criteria provided, conflicting classifications (1 of 4 stars). 4 submissions from 4 submitters: Uncertain significance (1); Likely benign (3). Last evaluated 2026-03-05.

Conditions:
ADGRV1-related disorder. Also called: ADGRV1-related disorders; ADGRV1-related condition.

Allele frequency attached by ClinVar (database versions not stated): gnomAD 0.00002; TOPMed 0.00002; gnomAD exomes 0.00007 and 0.00011; ExAC 0.00016.
gnomAD v4.1: 107 of 1,612,312 alleles (0.0066%); highest among the groups gnomAD compares: Middle Eastern, 0.033%; 1 homozygote.

Submissions (4):

PreventionGenetics, part of Exact Sciences
Classification: Likely benign for ADGRV1-related condition. Last evaluated: 2026-03-05. Review status: criteria provided, single submitter. Criteria: ACMG Guidelines, 2015. Collection method: clinical testing. Allele origin: germline.
Comment: This variant is classified as likely benign based on ACMG/AMP sequence variant interpretation guidelines (Richards et al. 2015 PMID: 25741868, with internal and published modifications).

Labcorp Genetics (formerly Invitae), Labcorp
Classification: Likely benign. Last evaluated: 2026-01-03. Review status: criteria provided, single submitter. Criteria: Invitae Variant Classification Sherloc (09022015). Collection method: clinical testing. Allele origin: germline.

Blueprint Genetics
Classification: Uncertain significance. Last evaluated: 2024-11-01. Review status: criteria provided, single submitter. Criteria: ACMG Guidelines, 2015. Collection method: clinical testing. Allele origin: germline.

CeGaT Center for Human Genetics Tuebingen
Classification: Likely benign. Last evaluated: 2022-07-01. Review status: criteria provided, single submitter. Criteria: CeGaT Center For Human Genetics Tuebingen Variant Classification Criteria Version 2. Collection method: clinical testing. Allele origin: germline. Affected: yes. Observed: 1 variant allele.
Comment: ADGRV1: BP4, BP7